The following is an entry in ClinVar:

ClinVar aggregate classification (germline): Likely benign (1 of 4 stars; one submission).

Allele frequency attached by ClinVar (database versions not stated): gnomAD exomes 0.00002.
gnomAD v4.1: 33 of 1,613,782 alleles (0.002%); highest among the groups gnomAD compares: Non-Finnish European, 0.0025%; no homozygotes.

Submission:

CeGaT Center for Human Genetics Tuebingen
Classification: Likely benign. Last evaluated: 2023-12-01. Review status: criteria provided, single submitter. Criteria: CeGaT Center For Human Genetics Tuebingen Variant Classification Criteria Version 2. Collection method: clinical testing. Allele origin: germline. Affected: yes. Observed: 1 variant allele.
Comment: ASH1L: BP4

NM_018489.3(ASH1L):c.1995T>G (p.Ile665Met)

Gene: ASH1L (ASH1 like histone lysine methyltransferase; minus strand). Cytogenetic location: 1q22.
Variant type: single nucleotide variant.
Coding change: c.1995T>G on transcript NM_018489.3 (MANE Select); coding-DNA position 1995, T replaced by G.
Protein change: p.Ile665Met; replaces isoleucine 665 with methionine.
Molecular consequence: missense variant.
Genome position (GRCh38, 1-based): chr1:155,480,875, A>C on the plus strand (T>G on the coding strand, the complement: ASH1L is on the minus strand). VCF-style: chr1-155480875-A-C. GRCh37 (hg19) VCF-style: chr1-155450666-A-C.
Other names: c.1995T>G, p.Ile665Met (NM_001366177.2); short protein forms I665M.
Identifiers: ClinVar variation 3026088 (VCV003026088.22), dbSNP rs921875925, ClinGen allele CA30914648.